The following is an entry in ClinVar:

NM_001374385.1(ATP8B1):c.-4C>G

Gene: ATP8B1 (ATPase phospholipid transporting 8B1; minus strand). Cytogenetic location: 18q21.31.
Variant type: single nucleotide variant.
Coding change: c.-4C>G on transcript NM_001374385.1 (MANE Select); 4 bases upstream of the start codon, C replaced by G.
Molecular consequence: 5 prime UTR variant.
Genome position (GRCh38, 1-based): chr18:57,731,811, G>C on the plus strand (C>G on the coding strand, the complement: ATP8B1 is on the minus strand). VCF-style: chr18-57731811-G-C. GRCh37 (hg19) VCF-style: chr18-55399043-G-C.
Other names: c.-56C>G (NM_001374386.1); c.-4C>G (NM_005603.6, NM_005603.4).
Identifiers: ClinVar variation 4846261 (VCV004846261.2).

ClinVar aggregate classification (germline): Conflicting classifications of pathogenicity. Review status: criteria provided, conflicting classifications (1 of 4 stars). 2 submissions from 2 submitters: Uncertain significance (1); Likely benign (1). Last evaluated 2026-04-14.

Conditions:
ATP8B1-related disorder. Also called: ATP8B1-related disorders; ATP8B1-related condition.
Familial intrahepatic cholestasis. Identifiers: Orphanet 284385, MedGen CN296401, MONDO:0017290.

gnomAD v4.1: 6 of 1,613,836 alleles (0.00037%); highest among the groups gnomAD compares: Admixed American, 0.0017%; no homozygotes.

Submissions (2):

Genomenon, Inc
Classification: Uncertain significance for Familial intrahepatic cholestasis. Last evaluated: 2026-04-14. Review status: criteria provided, single submitter. Criteria: Genomenon Sequence Variant Interpretation Standards - Updated. Collection method: curation. Allele origin: germline. Affected: no.
Comment: ATP8B1 c.-4C>G is a variant located in the 5′ untranslated region (5′ UTR). This variant has been reported in the published literature (PMID:24260417). It is absent or not present at a significant frequency in gnomAD. In conclusion, we classify ATP8B1 c.-4C>G as a variant of uncertain significance.

PreventionGenetics, part of Exact Sciences
Classification: Likely benign for ATP8B1-related condition. Last evaluated: 2025-02-06. Review status: criteria provided, single submitter. Criteria: ACMG Guidelines, 2015. Collection method: clinical testing. Allele origin: germline.
Comment: This variant is classified as likely benign based on ACMG/AMP sequence variant interpretation guidelines (Richards et al. 2015 PMID: 25741868, with internal and published modifications).

Literature cited by the submitters: PubMed 24260417 (cited by Genomenon, Inc).